The following is an entry in ClinVar:

ClinVar aggregate classification (germline): Likely benign (1 of 4 stars; one submission).

Allele frequency attached by ClinVar (database versions not stated): gnomAD exomes below 0.00001.
gnomAD v4.1: 2 of 1,613,376 alleles (0.00012%); no homozygotes.

Submission:

GeneDx
Classification: Likely benign. Last evaluated: 2011-08-12. Review status: criteria provided, single submitter. Criteria: GeneDx Variant Classification (06012015). Collection method: clinical testing. Allele origin: germline. Affected: yes.
Comment: This variant is considered likely benign or benign based on one or more of the following criteria: it is a conservative change, it occurs at a poorly conserved position in the protein, it is predicted to be benign by multiple in silico algorithms, and/or has population frequency not consistent with disease.

NM_001035.3(RYR2):c.677-1G>A

Gene: RYR2 (ryanodine receptor 2; plus strand). Cytogenetic location: 1q43.
Variant type: single nucleotide variant.
Coding change: c.677-1G>A on transcript NM_001035.3 (MANE Select); the canonical splice acceptor site of the intron before coding-DNA position 677, G replaced by A.
Molecular consequence: splice acceptor variant.
Genome position (GRCh38, 1-based): chr1:237,388,086, G>A. VCF-style: chr1-237388086-G-A. GRCh37 (hg19) VCF-style: chr1-237551386-G-A.
Identifiers: ClinVar variation 201159 (VCV000201159.1), dbSNP rs794728697, ClinGen allele CA010320.